The following is an entry in ClinVar:

NM_000465.4(BARD1):c.2164T>C (p.Tyr722His)

Gene: BARD1 (BRCA1 associated RING domain 1; minus strand). Cytogenetic location: 2q35.
Variant type: single nucleotide variant.
Coding change: c.2164T>C on transcript NM_000465.4 (MANE Select); coding-DNA position 2164, T replaced by C.
Protein change: p.Tyr722His; replaces tyrosine 722 with histidine.
Molecular consequence: missense variant. On other transcripts: non-coding transcript variant (3).
Genome position (GRCh38, 1-based): chr2:214,728,846, A>G on the plus strand (T>C on the coding strand, the complement: BARD1 is on the minus strand). VCF-style: chr2-214728846-A-G. GRCh37 (hg19) VCF-style: chr2-215593570-A-G.
Other names: c.2107T>C, p.Tyr703His (NM_001282543.2); c.811T>C, p.Tyr271His (NM_001282545.2); c.754T>C, p.Tyr252His (NM_001282548.2); c.625T>C, p.Tyr209His (NM_001282549.2); short protein forms Y722H, Y252H, Y271H, Y703H, Y209H.
Identifiers: ClinVar variation 479117 (VCV000479117.9), dbSNP rs1553612144, ClinGen allele CA350450426.

ClinVar aggregate classification (germline): Uncertain significance. Review status: criteria provided, multiple submitters, no conflicts (2 of 4 stars). 2 submissions from 2 submitters: Uncertain significance (2). Last evaluated 2023-08-02.

Conditions:
Familial cancer of breast. Also called: BREAST CANCER, FAMILIAL; hereditary breast carcinoma; Hereditary breast cancer. Identifiers: Orphanet 227535, MedGen C0346153, MONDO:0016419, OMIM 114480. Disease mechanism: loss of function.
Hereditary cancer-predisposing syndrome. Also called: Neoplastic Syndromes, Hereditary; Hereditary Cancer Syndrome; Hereditary neoplastic syndrome; Tumor predisposition. Identifiers: Orphanet 140162, MedGen C0027672, MeSH D009386, MONDO:0015356.

Submissions (2):

Ambry Genetics
Classification: Uncertain significance for Hereditary cancer-predisposing syndrome. Last evaluated: 2023-08-02. Review status: criteria provided, single submitter. Criteria: Ambry Variant Classification Scheme 2023. Collection method: clinical testing. Allele origin: germline.
Comment: The p.Y722H variant (also known as c.2164T>C), located in coding exon 11 of the BARD1 gene, results from a T to C substitution at nucleotide position 2164. The tyrosine at codon 722 is replaced by histidine, an amino acid with similar properties. This amino acid position is highly conserved in available vertebrate species. In addition, this alteration is predicted to be deleterious by in silico analysis. Since supporting evidence is limited at this time, the clinical significance of this alteration remains unclear.

Labcorp Genetics (formerly Invitae), Labcorp
Classification: Uncertain significance for Familial cancer of breast. Last evaluated: 2023-02-15. Review status: criteria provided, single submitter. Criteria: Invitae Variant Classification Sherloc (09022015). Collection method: clinical testing. Allele origin: germline.
Comment: This sequence change replaces tyrosine, which is neutral and polar, with histidine, which is basic and polar, at codon 722 of the BARD1 protein (p.Tyr722His). This variant is not present in population databases (gnomAD no frequency). This variant has not been reported in the literature in individuals affected with BARD1-related conditions. ClinVar contains an entry for this variant (Variation ID: 479117). An algorithm developed to predict the effect of missense changes on protein structure and function (PolyPhen-2) suggests that this variant is likely to be disruptive. In summary, the available evidence is currently insufficient to determine the role of this variant in disease. Therefore, it has been classified as a Variant of Uncertain Significance.